The following is an entry in ClinVar:

NM_001711.6(BGN):c.527A>C (p.Lys176Thr)

Gene: BGN (biglycan; plus strand). Cytogenetic location: Xq28.
Variant type: single nucleotide variant.
Coding change: c.527A>C on transcript NM_001711.6 (MANE Select); coding-DNA position 527, A replaced by C.
Protein change: p.Lys176Thr; replaces lysine 176 with threonine.
Molecular consequence: missense variant.
Genome position (GRCh38, 1-based): chrX:153,506,038, A>C. VCF-style: chrX-153506038-A-C. GRCh37 (hg19) VCF-style: chrX-152771496-A-C.
Other names: short protein forms K176T.
Identifiers: ClinVar variation 1746543 (VCV001746543.2), dbSNP rs1320266958, ClinGen allele CA415069933.
Genomic context (GRCh38, chrX:153,506,038, plus strand): 5'-ACCTACCCAGCTCCCTGGTGGAGCTCCGCATCCACGACAACCGCATCCGCAAGGTGCCCA[A>C]GGGAGTGTTCAGCGGGCTCCGGAACATGAACTGCATCGGTGAGCTGAGGGCCTCCCAGAA-3'
Protein context (NP_001702.1, residues 166-186): IHDNRIRKVP[Lys176Thr]GVFSGLRNMN

ClinVar aggregate classification (germline): Uncertain significance (1 of 4 stars; one submission).

Conditions:
Cardiovascular phenotype. Identifiers: MedGen CN230736.

Allele frequency attached by ClinVar (database versions not stated): TOPMed below 0.00001; gnomAD 0.00001.
gnomAD v4.1: 1 of 1,210,251 alleles (0.000083%); highest among the groups gnomAD compares: Non-Finnish European, 0.00011%; no homozygotes.

Submission:

Ambry Genetics
Classification: Uncertain significance for Cardiovascular phenotype. Last evaluated: 2022-05-31. Review status: criteria provided, single submitter. Criteria: Ambry Variant Classification Scheme 2023. Collection method: clinical testing. Allele origin: germline.
Comment: The p.K176T variant (also known as c.527A>C), located in coding exon 3 of the BGN gene, results from an A to C substitution at nucleotide position 527. The lysine at codon 176 is replaced by threonine, an amino acid with similar properties. This amino acid position is conserved. In addition, the in silico prediction for this alteration is inconclusive. Since supporting evidence is limited at this time, the clinical significance of this alteration remains unclear.